The following is an entry in ClinVar:

NM_017570.5(OPLAH):c.2893C>T (p.Arg965Ter)

Gene: OPLAH (5-oxoprolinase, ATP-hydrolysing; minus strand). Cytogenetic location: 8q24.3.
Variant type: single nucleotide variant.
Coding change: c.2893C>T on transcript NM_017570.5 (MANE Select); coding-DNA position 2893, C replaced by T.
Protein change: p.Arg965Ter; replaces arginine 965 with a stop codon.
Molecular consequence: nonsense.
Genome position (GRCh38, 1-based): chr8:144,053,108, G>A on the plus strand (C>T on the coding strand, the complement: OPLAH is on the minus strand). VCF-style: chr8-144053108-G-A. GRCh37 (hg19) VCF-style: chr8-145108011-G-A.
Other names: short protein forms R965*.
Identifiers: ClinVar variation 4528127 (VCV004528127.1).

ClinVar aggregate classification (germline): Uncertain significance (1 of 4 stars; one submission).

gnomAD v4.1: 13 of 1,606,172 alleles (0.00081%); highest among the groups gnomAD compares: African/African-American, 0.0054%; no homozygotes.

Submission:

GeneDx
Classification: Uncertain significance. Last evaluated: 2025-05-03. Review status: criteria provided, single submitter. Criteria: GeneDx Variant Classification Process June 2021. Collection method: clinical testing. Allele origin: germline. Affected: yes.
Comment: Nonsense variant predicted to result in protein truncation or nonsense mediated decay in a gene for which loss of function is a known mechanism of disease; Has not been previously published as pathogenic or benign to our knowledge